The following is an entry in ClinVar:

ClinVar aggregate classification (germline): Uncertain significance (1 of 4 stars; one submission).

Conditions:
Oligodontia-cancer predisposition syndrome. Also called: TOOTH AGENESIS-COLORECTAL CANCER SYNDROME. Identifiers: Orphanet 300576, MedGen C1837750, MONDO:0012075, OMIM 608615. Disease mechanism: loss of function.

Submission:

Labcorp Genetics (formerly Invitae), Labcorp
Classification: Uncertain significance for Oligodontia-cancer predisposition syndrome. Last evaluated: 2019-03-27. Review status: criteria provided, single submitter. Criteria: Invitae Variant Classification Sherloc (09022015). Collection method: clinical testing. Allele origin: germline.
Comment: In summary, the available evidence is currently insufficient to determine the role of this variant in disease. Therefore, it has been classified as a Variant of Uncertain Significance. Algorithms developed to predict the effect of sequence changes on RNA splicing suggest that this variant may create or strengthen a splice site, but this prediction has not been confirmed by published transcriptional studies. Algorithms developed to predict the effect of missense changes on protein structure and function (SIFT, PolyPhen-2, Align-GVGD) all suggest that this variant is likely to be tolerated, but these predictions have not been confirmed by published functional studies and their clinical significance is uncertain. This variant has not been reported in the literature in individuals with AXIN2-related conditions. This variant is not present in population databases (ExAC no frequency). This sequence change replaces threonine with serine at codon 680 of the AXIN2 protein (p.Thr680Ser). The threonine residue is weakly conserved and there is a small physicochemical difference between threonine and serine.

NM_004655.4(AXIN2):c.2039C>G (p.Thr680Ser)

Gene: AXIN2 (axin 2; minus strand). Cytogenetic location: 17q24.1.
Variant type: single nucleotide variant.
Coding change: c.2039C>G on transcript NM_004655.4 (MANE Select); coding-DNA position 2039, C replaced by G.
Protein change: p.Thr680Ser; replaces threonine 680 with serine.
Molecular consequence: missense variant.
Genome position (GRCh38, 1-based): chr17:65,536,422, G>C on the plus strand (C>G on the coding strand, the complement: AXIN2 is on the minus strand). VCF-style: chr17-65536422-G-C. GRCh37 (hg19) VCF-style: chr17-63532540-G-C.
Other names: c.1844C>G, p.Thr615Ser (NM_001363813.1); short protein forms T680S, T615S.
Identifiers: ClinVar variation 949344 (VCV000949344.9), dbSNP rs2043917074, ClinGen allele CA400676110.